The following is an entry in ClinVar:

ClinVar aggregate classification (germline): Uncertain significance. Review status: criteria provided, multiple submitters, no conflicts (2 of 4 stars). 2 submissions from 2 submitters: Uncertain significance (2). Last evaluated 2024-04-19.

Conditions:
Inborn genetic diseases. Identifiers: MedGen C0950123, MeSH D030342.

Allele frequency attached by ClinVar (database versions not stated): gnomAD 0.00001; TOPMed 0.00001.
gnomAD v4.1: 9 of 1,613,926 alleles (0.00056%); highest among the groups gnomAD compares: East Asian, 0.0045%; no homozygotes.

Submissions (2):

Ambry Genetics
Classification: Uncertain significance for Inborn genetic diseases. Last evaluated: 2024-04-19. Review status: criteria provided, single submitter. Criteria: Ambry Variant Classification Scheme 2023. Collection method: clinical testing. Allele origin: germline.

Labcorp Genetics (formerly Invitae), Labcorp
Classification: Uncertain significance. Last evaluated: 2023-10-13. Review status: criteria provided, single submitter. Criteria: Invitae Variant Classification Sherloc (09022015). Collection method: clinical testing. Allele origin: germline.
Comment: This sequence change replaces asparagine, which is neutral and polar, with serine, which is neutral and polar, at codon 548 of the EFTUD2 protein (p.Asn548Ser). This variant is present in population databases (rs201386870, gnomAD 0.007%). This variant has not been reported in the literature in individuals affected with EFTUD2-related conditions. ClinVar contains an entry for this variant (Variation ID: 2179359). Advanced modeling of protein sequence and biophysical properties (such as structural, functional, and spatial information, amino acid conservation, physicochemical variation, residue mobility, and thermodynamic stability) has been performed at Invitae for this missense variant, however the output from this modeling did not meet the statistical confidence thresholds required to predict the impact of this variant on EFTUD2 protein function. In summary, the available evidence is currently insufficient to determine the role of this variant in disease. Therefore, it has been classified as a Variant of Uncertain Significance.

NM_004247.4(EFTUD2):c.1643A>G (p.Asn548Ser)

Gene: EFTUD2 (elongation factor Tu GTP binding domain containing 2; minus strand). Cytogenetic location: 17q21.31.
Variant type: single nucleotide variant.
Coding change: c.1643A>G on transcript NM_004247.4 (MANE Select); coding-DNA position 1643, A replaced by G.
Protein change: p.Asn548Ser; replaces asparagine 548 with serine.
Molecular consequence: missense variant.
Genome position (GRCh38, 1-based): chr17:44,860,508, T>C on the plus strand (A>G on the coding strand, the complement: EFTUD2 is on the minus strand). VCF-style: chr17-44860508-T-C. GRCh37 (hg19) VCF-style: chr17-42937876-T-C.
Other names: c.1643A>G (NM_004247.3); c.1538A>G, p.Asn513Ser (NM_001142605.2); c.1643A>G, p.Asn548Ser (NM_001258353.2); c.1613A>G, p.Asn538Ser (NM_001258354.2); short protein forms N538S, N513S, N548S.
Identifiers: ClinVar variation 2179359 (VCV002179359.5), dbSNP rs201386870, ClinGen allele CA290988728.